The following is an entry in ClinVar:

ClinVar aggregate classification (germline): Conflicting classifications of pathogenicity. Review status: criteria provided, conflicting classifications (1 of 4 stars). 5 submissions from 5 submitters: Uncertain significance (1); Benign (1); Likely benign (2). 1 of the submissions does not count toward it. Last evaluated 2026-01-27.

Conditions:
Epidermolysis bullosa dystrophica. Also called: Dystrophic epidermolysis bullosa; Dystrophic epidermolysis bullosa, Hallopeau-Siemens type (formerly). Identifiers: Orphanet 303, MedGen C0079294, MONDO:0006543.
COL7A1-related disorder. Also called: COL7A1- related disorders; COL7A1-related condition.

Allele frequency attached by ClinVar (database versions not stated): gnomAD exomes 0.00011 and 0.00023; ExAC 0.00029; ESP Exome Variant Server 0.00085; gnomAD 0.00086 and 0.00093; TOPMed 0.00096; 1000 Genomes Project 30x 0.00156; 1000 Genomes Project 0.00160.
gnomAD v4.1: 284 of 1,613,966 alleles (0.018%); highest among the groups gnomAD compares: African/African-American, 0.32%; 1 homozygote.

Submissions (5):

Labcorp Genetics (formerly Invitae), Labcorp
Classification: Benign. Last evaluated: 2026-01-27. Review status: criteria provided, single submitter. Criteria: Invitae Variant Classification Sherloc (09022015). Collection method: clinical testing. Allele origin: germline.

PreventionGenetics, part of Exact Sciences
Classification: Likely benign for COL7A1-related condition. Last evaluated: 2025-08-05. Review status: criteria provided, single submitter. Criteria: ACMG Guidelines, 2015. Collection method: clinical testing. Allele origin: germline.
Comment: This variant is classified as likely benign based on ACMG/AMP sequence variant interpretation guidelines (Richards et al. 2015 PMID: 25741868, with internal and published modifications).

Blueprint Genetics
Classification: Likely benign. Last evaluated: 2024-07-02. Review status: criteria provided, single submitter. Criteria: ACMG Guidelines, 2015. Collection method: clinical testing. Allele origin: germline.

Illumina Laboratory Services, Illumina
Classification: Uncertain significance for Dystrophic epidermolysis bullosa. Last evaluated: 2018-01-13. Review status: criteria provided, single submitter. Criteria: ICSL Variant Classification Criteria 13 December 2019. Collection method: clinical testing. Allele origin: germline.

Natera, Inc.
Classification: Likely benign for Dystrophic epidermolysis bullosa. Last evaluated: 2020-06-04. Review status: no assertion criteria provided. Collection method: clinical testing. Allele origin: germline. Not counted in ClinVar's aggregate classification.

NM_000094.4(COL7A1):c.8568C>T (p.Ser2856=)

Gene: COL7A1 (collagen type VII alpha 1 chain; minus strand). Cytogenetic location: 3p21.31.
Variant type: single nucleotide variant.
Coding change: c.8568C>T on transcript NM_000094.4 (MANE Select); coding-DNA position 8568, C replaced by T.
Protein change: p.Ser2856=; no amino-acid change (serine 2856 retained).
Molecular consequence: synonymous variant.
Genome position (GRCh38, 1-based): chr3:48,565,161, G>A on the plus strand (C>T on the coding strand, the complement: COL7A1 is on the minus strand). VCF-style: chr3-48565161-G-A. GRCh37 (hg19) VCF-style: chr3-48602594-G-A.
Identifiers: ClinVar variation 345791 (VCV000345791.17), dbSNP rs148454724, ClinGen allele CA2377937.
Genomic context (GRCh38, chr3:48,565,161, plus strand): 5'-ATTCTCACCATCACTATCCCAAGGAGCTTCAGGGTCCTGGTACTCCTCCACAGAATACTC[G>A]GAGTATTCAGAGTACTCATCATCCTCAGGGGGTACCCGCTCTGCAGGTAGGGCAGGGTGT-3'
Protein context (NP_000085.1, residues 2846-2866): PPEDDEYSEY[Ser2856=]EYSVEEYQDP